The following is an entry in ClinVar:

NM_000284.4(PDHA1):c.888C>G (p.Asp296Glu)

Gene: PDHA1 (pyruvate dehydrogenase E1 subunit alpha 1; plus strand). Cytogenetic location: Xp22.12.
Variant type: single nucleotide variant.
Coding change: c.888C>G on transcript NM_000284.4 (MANE Select); coding-DNA position 888, C replaced by G.
Protein change: p.Asp296Glu; replaces aspartic acid 296 with glutamic acid.
Molecular consequence: missense variant.
Genome position (GRCh38, 1-based): chrX:19,357,708, C>G. VCF-style: chrX-19357708-C-G. GRCh37 (hg19) VCF-style: chrX-19375826-C-G.
Other names: c.1002C>G, p.Asp334Glu (NM_001173454.2); c.909C>G, p.Asp303Glu (NM_001173455.2); c.795C>G, p.Asp265Glu (NM_001173456.2); short protein forms D265E, D296E, D303E, D334E.
Identifiers: ClinVar variation 4070381 (VCV004070381.1).

ClinVar aggregate classification (germline): Pathogenic (0 of 4 stars; one submission).

Conditions:
Pyruvate dehydrogenase E1-alpha deficiency (PDHAD). Also called: ATAXIA, INTERMITTENT, WITH PYRUVATE DEHYDROGENASE DEFICIENCY; ATAXIA WITH LACTIC ACIDOSIS I; ATAXIA, INTERMITTENT, WITH ABNORMAL PYRUVATE METABOLISM; Ataxia, intermittent, with pyruvate dehydrogenase, or decarboxylase, deficiency. Identifiers: Orphanet 79243, MedGen C1839413, MONDO:0010717, OMIM 312170.

Submission:

PDHA1 Study Group, University Children’s Hospital, Paracelsus Medical University
Classification: Pathogenic for Pyruvate dehydrogenase E1-alpha deficiency. Last evaluated: 2024-10-15. Review status: no assertion criteria provided. Collection method: research. Allele origin: de novo. Affected: yes. Observed: 1 variant allele.
Comment: The NM_000284.3:c.888C>G (p.Asp296Glu) substitution is a missense variant in PDHA1 gene. Among them, 1 case had confirmed de novo occurrence. The variant has been reported in 1 published case (PMIDs: 14635113). Last literature search: July 12, 2024. This variant is absent or extremely rare in population-based cohorts in the Genome Aggregation Database (gnomAD). Individuals harboring this variant presented with clinical features compatible with PDHA1-related PDHc deficiency. In summary, this variant meets criteria to be classified as pathogenic (P) for PDHA1-related PDHc deficiency based on the ACMG/AMP criteria applied: PS3, PM1, PM2, PM7, PP3 (last assessment October 15, 2024).

Literature cited by the submitters: PubMed 14635113; DOI 10.1093/brain/awaf430.